The following is an entry in ClinVar:

NM_024795.4(TM4SF20):c.83T>C (p.Ile28Thr)

Gene: TM4SF20 (transmembrane 4 L six family member 20; minus strand). Cytogenetic location: 2q36.3.
Variant type: single nucleotide variant.
Coding change: c.83T>C on transcript NM_024795.4 (MANE Select); coding-DNA position 83, T replaced by C.
Protein change: p.Ile28Thr; replaces isoleucine 28 with threonine.
Molecular consequence: missense variant.
Genome position (GRCh38, 1-based): chr2:227,379,186, A>G on the plus strand (T>C on the coding strand, the complement: TM4SF20 is on the minus strand). VCF-style: chr2-227379186-A-G. GRCh37 (hg19) VCF-style: chr2-228243902-A-G.
Other names: short protein forms I28T.
Identifiers: ClinVar variation 1592240 (VCV001592240.11), dbSNP rs138536526, ClinGen allele CA2148325.

ClinVar aggregate classification (germline): Likely benign. Review status: criteria provided, multiple submitters, no conflicts (2 of 4 stars). 3 submissions from 3 submitters: Likely benign (2). 1 of the submissions does not count toward it. Last evaluated 2026-01-26.

Conditions:
TM4SF20-related disorder. Also called: TM4SF20-related condition.

Allele frequency attached by ClinVar (database versions not stated): ExAC 0.00138; gnomAD exomes 0.00151 and 0.00173; 1000 Genomes Project 30x 0.00156; 1000 Genomes Project 0.00160; gnomAD 0.00168 and 0.00169; TOPMed 0.00171; ESP Exome Variant Server 0.00177.
gnomAD v4.1: 2,800 of 1,614,204 alleles (0.17%); highest among the groups gnomAD compares: Middle Eastern, 0.21%; 5 homozygotes.

Submissions (3):

Labcorp Genetics (formerly Invitae), Labcorp
Classification: Likely benign. Last evaluated: 2026-01-26. Review status: criteria provided, single submitter. Criteria: Invitae Variant Classification Sherloc (09022015). Collection method: clinical testing. Allele origin: germline.

Breakthrough Genomics
Classification: Likely benign. Review status: criteria provided, single submitter. Criteria: ACMG Guidelines, 2015. Collection method: not provided. Allele origin: germline. Inheritance: Autosomal dominant inheritance. Affected: yes.

PreventionGenetics, part of Exact Sciences
Classification: Likely benign for TM4SF20-related condition. Last evaluated: 2020-08-14. Review status: no assertion criteria provided. Collection method: clinical testing. Allele origin: germline. Not counted in ClinVar's aggregate classification.
Comment: This variant is classified as likely benign based on ACMG/AMP sequence variant interpretation guidelines (Richards et al. 2015 PMID: 25741868, with internal and published modifications).